The following is an entry in ClinVar:

ClinVar aggregate classification (germline): Uncertain significance (1 of 4 stars; one submission).

Allele frequency attached by ClinVar (database versions not stated): TOPMed below 0.00001; gnomAD 0.00001; gnomAD exomes 0.00002.
gnomAD v4.1: 33 of 1,614,090 alleles (0.002%); highest among the groups gnomAD compares: Non-Finnish European, 0.0028%; no homozygotes.

Submission:

Labcorp Genetics (formerly Invitae), Labcorp
Classification: Uncertain significance. Last evaluated: 2024-06-28. Review status: criteria provided, single submitter. Criteria: Invitae Variant Classification Sherloc (09022015). Collection method: clinical testing. Allele origin: germline.
Comment: This sequence change replaces histidine, which is basic and polar, with arginine, which is basic and polar, at codon 475 of the C1S protein (p.His475Arg). This variant is not present in population databases (gnomAD no frequency). This variant has not been reported in the literature in individuals affected with C1S-related conditions. Advanced modeling of protein sequence and biophysical properties (such as structural, functional, and spatial information, amino acid conservation, physicochemical variation, residue mobility, and thermodynamic stability) performed at Invitae indicates that this missense variant is expected to disrupt C1S protein function with a positive predictive value of 80%. In summary, the available evidence is currently insufficient to determine the role of this variant in disease. Therefore, it has been classified as a Variant of Uncertain Significance.

NM_001734.5(C1S):c.1424A>G (p.His475Arg)

Gene: C1S (complement C1s; plus strand). Cytogenetic location: 12p13.31.
Variant type: single nucleotide variant.
Coding change: c.1424A>G on transcript NM_001734.5 (MANE Select); coding-DNA position 1424, A replaced by G.
Protein change: p.His475Arg; replaces histidine 475 with arginine.
Molecular consequence: missense variant.
Genome position (GRCh38, 1-based): chr12:7,070,008, A>G. VCF-style: chr12-7070008-A-G. GRCh37 (hg19) VCF-style: chr12-7177312-A-G.
Other names: c.923A>G, p.His308Arg (NM_001346850.2); c.1424A>G, p.His475Arg (NM_201442.4); short protein forms H475R, H308R.
Identifiers: ClinVar variation 2860923 (VCV002860923.3), dbSNP rs1937799967, ClinGen allele CA383704353.
Genomic context (GRCh38, chr12:7,070,008, plus strand): 5'-TTGACAACCCATGGGCTGGTGGAGCGCTCATTAATGAGTACTGGGTGCTGACGGCTGCTC[A>G]TGTTGTGGAGGGAAACAGGGAGCCAACAATGTATGTTGGGTCCACCTCAGTGCAGACCTC-3'
Protein context (NP_001725.1, residues 465-485): INEYWVLTAA[His475Arg]VVEGNREPTM